The following is an entry in ClinVar:

ClinVar aggregate classification (germline): Pathogenic (1 of 4 stars; one submission).

Conditions:
LAMA2-related muscular dystrophy (LAMA2-RD). Also called: Laminin alpha 2-related dystrophy. Identifiers: MedGen C5679788, MONDO:0100228.

gnomAD v4.1: 3 of 1,612,956 alleles (0.00019%); highest among the groups gnomAD compares: Non-Finnish European, 0.00025%; no homozygotes.

Submission:

Labcorp Genetics (formerly Invitae), Labcorp
Classification: Pathogenic for LAMA2-related muscular dystrophy. Last evaluated: 2022-09-13. Review status: criteria provided, single submitter. Criteria: Invitae Variant Classification Sherloc (09022015). Collection method: clinical testing. Allele origin: germline.
Comment: For these reasons, this variant has been classified as Pathogenic. This premature translational stop signal has been observed in individual(s) with LAMA2-related conditions (PMID: 28688748). This variant is not present in population databases (gnomAD no frequency). This sequence change creates a premature translational stop signal (p.Cys416*) in the LAMA2 gene. It is expected to result in an absent or disrupted protein product. Loss-of-function variants in LAMA2 are known to be pathogenic (PMID: 18700894, 32904964).

Literature cited by the submitters: PubMed 28688748; PubMed 18700894; PubMed 32904964.

NM_000426.4(LAMA2):c.1248C>A (p.Cys416Ter)

Gene: LAMA2 (laminin subunit alpha 2; plus strand). Cytogenetic location: 6q22.33.
Variant type: single nucleotide variant.
Coding change: c.1248C>A on transcript NM_000426.4 (MANE Select); coding-DNA position 1248, C replaced by A.
Protein change: p.Cys416Ter; replaces cysteine 416 with a stop codon.
Molecular consequence: nonsense.
Genome position (GRCh38, 1-based): chr6:129,165,617, C>A. VCF-style: chr6-129165617-C-A. GRCh37 (hg19) VCF-style: chr6-129486762-C-A.
Other names: c.1248C>A, p.Cys416Ter (NM_001079823.2); short protein forms C416*.
Identifiers: ClinVar variation 2136461 (VCV002136461.4), dbSNP rs371944692, ClinGen allele CA365607253.
Genomic context (GRCh38, chr6:129,165,617, plus strand): 5'-ATTTTAATATTTTTGTTAGGTATCTCCAAATTATCCAAGGCCATGCCAGCCATGTCATTG[C>A]GATCCAATTGGTTCCTTAAATGAAGTCTGTGTCAAGGATGAGAAACATGCTCGACGAGGT-3'